The following is an entry in ClinVar:

ClinVar aggregate classification (germline): Uncertain significance (1 of 4 stars; one submission).

Allele frequency attached by ClinVar (database versions not stated): gnomAD exomes below 0.00001.
gnomAD v4.1: 1 of 1,614,212 alleles (0.000062%); highest among the groups gnomAD compares: South Asian, 0.0011%; no homozygotes.

Submission:

Labcorp Genetics (formerly Invitae), Labcorp
Classification: Uncertain significance. Last evaluated: 2021-10-12. Review status: criteria provided, single submitter. Criteria: Invitae Variant Classification Sherloc (09022015). Collection method: clinical testing. Allele origin: germline.
Comment: In summary, the available evidence is currently insufficient to determine the role of this variant in disease. Therefore, it has been classified as a Variant of Uncertain Significance. Algorithms developed to predict the effect of missense changes on protein structure and function are either unavailable or do not agree on the potential impact of this missense change (SIFT: "Deleterious"; PolyPhen-2: "Probably Damaging"; Align-GVGD: "Class C0"). This variant has not been reported in the literature in individuals affected with PRKAR1B-related conditions. This variant is not present in population databases (ExAC no frequency). This sequence change replaces cysteine with tyrosine at codon 18 of the PRKAR1B protein (p.Cys18Tyr). The cysteine residue is moderately conserved and there is a large physicochemical difference between cysteine and tyrosine.

NM_001164760.2(PRKAR1B):c.53G>A (p.Cys18Tyr)

Gene: PRKAR1B (protein kinase cAMP-dependent type I regulatory subunit beta; minus strand). Cytogenetic location: 7p22.3.
Variant type: single nucleotide variant.
Coding change: c.53G>A on transcript NM_001164760.2 (MANE Select); coding-DNA position 53, G replaced by A.
Protein change: p.Cys18Tyr; replaces cysteine 18 with tyrosine.
Molecular consequence: missense variant.
Genome position (GRCh38, 1-based): chr7:711,453, C>T on the plus strand (G>A on the coding strand, the complement: PRKAR1B is on the minus strand). VCF-style: chr7-711453-C-T. GRCh37 (hg19) VCF-style: chr7-751090-C-T.
Other names: c.53G>A, p.Cys18Tyr (NM_001164758.2, NM_001164759.1, NM_001164761.2 and 2 more transcripts); short protein forms C18Y.
Identifiers: ClinVar variation 1431575 (VCV001431575.6), dbSNP rs1457441061, ClinGen allele CA366537180.